The following is an entry in ClinVar:

ClinVar aggregate classification (germline): Uncertain significance. Review status: criteria provided, multiple submitters, no conflicts (2 of 4 stars). 2 submissions from 2 submitters: Uncertain significance (2). Last evaluated 2017-10-03.

Conditions:
Hereditary insensitivity to pain with anhidrosis (CIPA). Also called: NTRK1 Congenital Insensitivity to Pain with Anhidrosis; HSAN Type IV; INSENSITIVITY TO PAIN, CONGENITAL, WITH ANHIDROSIS; NEUROPATHY, CONGENITAL SENSORY, WITH ANHIDROSIS; hereditary sensory and autonomic neuropathy type 4; FAMILIAL DYSAUTONOMIA, TYPE II. Identifiers: Orphanet 642, MedGen C0020074, MONDO:0009746, OMIM 256800.

Submissions (2):

Athena Diagnostics
Classification: Uncertain significance. Last evaluated: 2017-10-03. Review status: criteria provided, single submitter. Criteria: Athena Diagnostics Criteria. Collection method: clinical testing. Allele origin: germline.

Neuberg Centre For Genomic Medicine, NCGM
Classification: Uncertain significance for Hereditary insensitivity to pain with anhidrosis. Review status: criteria provided, single submitter. Criteria: ACMG Guidelines, 2015. Collection method: clinical testing. Allele origin: germline. Inheritance: Autosomal recessive inheritance. Affected: yes.
Comment: The missense c.2141G>A(p.Gly714Asp) variant in NTRK1 gene has been reported in compound heterozygous state in an individual affected with Congenital insensitivity to pain with anhidrosis (Wang Q, et. al., 2015). This variant has been reported to the ClinVar database as Uncertain significance. The p.Gly714Asp variant is novel (not in any individuals) in gnomAD Exomes and 1000 Genomes database. The amino acid change p.Gly714Asp in NTRK1 is predicted as conserved by GERP++ and PhyloP across 100 vertebrates. The amino acid Gly at position 714 is changed to a Asp changing protein sequence and it might alter its composition and physico-chemical properties. Since the variant has been reported in only a single patient it has been classified as Uncertain Significance.

Literature cited by the submitters: PubMed 25984678 (cited by Athena Diagnostics).

NM_002529.4(NTRK1):c.2141G>A (p.Gly714Asp)

Gene: NTRK1 (neurotrophic receptor tyrosine kinase 1; plus strand). Cytogenetic location: 1q23.1.
Variant type: single nucleotide variant.
Coding change: c.2141G>A on transcript NM_002529.4 (MANE Select); coding-DNA position 2141, G replaced by A.
Protein change: p.Gly714Asp; replaces glycine 714 with aspartic acid.
Molecular consequence: missense variant.
Genome position (GRCh38, 1-based): chr1:156,880,093, G>A. VCF-style: chr1-156880093-G-A. GRCh37 (hg19) VCF-style: chr1-156849885-G-A.
Other names: c.2033G>A, p.Gly678Asp (NM_001007792.1); c.2123G>A, p.Gly708Asp (NM_001012331.2); short protein forms G678D, G708D, G714D.
Identifiers: ClinVar variation 586191 (VCV000586191.2), dbSNP rs944740609, ClinGen allele CA31124548.